The following is an entry in ClinVar:

NM_000359.3(TGM1):c.857G>T (p.Arg286Leu)

Gene: TGM1 (transglutaminase 1; minus strand). Cytogenetic location: 14q12.
Variant type: single nucleotide variant.
Coding change: c.857G>T on transcript NM_000359.3 (MANE Select); coding-DNA position 857, G replaced by T.
Protein change: p.Arg286Leu; replaces arginine 286 with leucine.
Molecular consequence: missense variant.
Genome position (GRCh38, 1-based): chr14:24,259,959, C>A on the plus strand (G>T on the coding strand, the complement: TGM1 is on the minus strand). VCF-style: chr14-24259959-C-A. GRCh37 (hg19) VCF-style: chr14-24729165-C-A.
Other names: short protein forms R286L.
Identifiers: ClinVar variation 1469208 (VCV001469208.6), dbSNP rs121918727, ClinGen allele CA389269679.

ClinVar aggregate classification (germline): Likely pathogenic (1 of 4 stars; one submission).

Submission:

Labcorp Genetics (formerly Invitae), Labcorp
Classification: Likely pathogenic. Last evaluated: 2021-10-05. Review status: criteria provided, single submitter. Criteria: Invitae Variant Classification Sherloc (09022015). Collection method: clinical testing. Allele origin: germline.
Comment: In summary, the currently available evidence indicates that the variant is pathogenic, but additional data are needed to prove that conclusively. Therefore, this variant has been classified as Likely Pathogenic. This variant disrupts the p.Arg286 amino acid residue in TGM1. Other variant(s) that disrupt this residue have been determined to be pathogenic (PMID: 11298529, 28403434, 31168818). This suggests that this residue is clinically significant, and that variants that disrupt this residue are likely to be disease-causing. Advanced modeling of protein sequence and biophysical properties (such as structural, functional, and spatial information, amino acid conservation, physicochemical variation, residue mobility, and thermodynamic stability) performed at Invitae indicates that this missense variant is expected to disrupt TGM1 protein function. This variant has not been reported in the literature in individuals affected with TGM1-related conditions. This variant is not present in population databases (ExAC no frequency). This sequence change replaces arginine with leucine at codon 286 of the TGM1 protein (p.Arg286Leu). The arginine residue is highly conserved and there is a moderate physicochemical difference between arginine and leucine.

Literature cited by the submitters: PubMed 11298529; PubMed 28403434; PubMed 31168818.